The following is an entry in ClinVar:

NM_004859.4(CLTC):c.4419AGA[2] (p.Glu1475del)

Genes: CLTC (clathrin heavy chain; plus strand), LOC126862609 (CDK7 strongly-dependent group 2 enhancer GRCh37_chr17:57760547-57761746; plus strand). Cytogenetic location: 17q23.1.
Variant type: Microsatellite.
Coding change: c.4419AGA[2] on transcript NM_004859.4 (MANE Select); two copies in a row of the 3-base unit AGA starting at c.4419; the reference has three copies in a row; one copy, 3 bases deleted; also written c.4425_4427del.
Protein change: p.Glu1475del; deletes glutamic acid 1475.
Molecular consequence: inframe deletion.
Genome position (GRCh38, 1-based): chr17:59,683,976-59,683,978, AGA deleted; deleting any 3 consecutive bases within chr17:59,683,970-59,683,978 gives the same sequence; the position shown is the placement nearest the transcript's 3' end. VCF-style (leftmost placement, unchanged base first): chr17-59683969-CAGA-C. GRCh37 (hg19) VCF-style: chr17-57761330-CAGA-C.
Other names: NC_000017.10:g.57761337_57761339del; c.4431AGA[2], p.Glu1479del (NM_001288653.2); c.4425_4427del (NM_004859.4); short protein forms E1475del, E1479del.
Identifiers: ClinVar variation 2762548 (VCV002762548.6), dbSNP rs2509155635, ClinGen allele CA2639056931.

ClinVar aggregate classification (germline): Uncertain significance. Review status: criteria provided, multiple submitters, no conflicts (2 of 4 stars). 2 submissions from 2 submitters: Uncertain significance (2). Last evaluated 2025-12-05.

Conditions:
Intellectual developmental disorder, autosomal dominant 56. Also called: MENTAL RETARDATION, AUTOSOMAL DOMINANT 56; Intellectual disability, autosomal dominant 56. Identifiers: MedGen C4693389, MONDO:0030922, OMIM 617854.

Submissions (3):

Dasa
Classification: Uncertain significance for Intellectual developmental disorder, autosomal dominant 56. Last evaluated: 2025-12-05. Review status: criteria provided, single submitter. Criteria: DASA Assertion Criteria. Collection method: clinical testing. Allele origin: germline.
Comment: NM_004859.4(CLTC):c.4425_4427del (p.Glu1475del) is an in-frame deletion predicted to remove glutamic acid at protein position 1475 without shifting the reading frame. This variant is rare in population databases. The currently available literature and clinical evidence are not sufficient to establish a definitive association between this variant and the reported condition. Therefore, this variant is classified as a variant of uncertain significance.

Labcorp Genetics (formerly Invitae), Labcorp
Classification: Uncertain significance. Last evaluated: 2025-10-18. Review status: criteria provided, single submitter. Criteria: Invitae Variant Classification Sherloc (09022015). Collection method: clinical testing. Allele origin: germline.
Comment: This variant, c.4437_4439del, results in the deletion of 1 amino acid(s) of the CLTC protein (p.Glu1479del), but otherwise preserves the integrity of the reading frame. This variant is not present in population databases (gnomAD no frequency). This variant has not been reported in the literature in individuals affected with CLTC-related conditions. Experimental studies and prediction algorithms are not available or were not evaluated, and the functional significance of this variant is currently unknown. In summary, the available evidence is currently insufficient to determine the role of this variant in disease. Therefore, it has been classified as a Variant of Uncertain Significance.

Dr. Peter K. Rogan Lab, Western University
No classification provided (evidence only). Condition: Familial cancer of breast. Review status: no classification provided. Collection method: in vitro. Allele origin: not applicable. Functional consequence: retained intron. Not counted in ClinVar's aggregate classification.